The following is an entry in ClinVar:

ClinVar aggregate classification (germline): Uncertain significance. Review status: criteria provided, multiple submitters, no conflicts (2 of 4 stars). 3 submissions from 3 submitters: Uncertain significance (3). Last evaluated 2025-01-02.

Conditions:
Hereditary cancer-predisposing syndrome. Also called: Hereditary neoplastic syndrome; Neoplastic Syndromes, Hereditary; Tumor predisposition; Hereditary Cancer Syndrome. Identifiers: Orphanet 140162, MedGen C0027672, MeSH D009386, MONDO:0015356.
Multiple endocrine neoplasia, type 2 (MEN2). Identifiers: Orphanet 653, MedGen C4048306, MONDO:0019003. Disease mechanism: gain of function.

Allele frequency attached by ClinVar (database versions not stated): gnomAD exomes below 0.00001.
gnomAD v4.1: 1 of 1,614,172 alleles (0.000062%); highest among the groups gnomAD compares: Admixed American, 0.0017%; no homozygotes.

Submissions (3):

Ambry Genetics
Classification: Uncertain significance for Hereditary cancer-predisposing syndrome. Last evaluated: 2025-01-02. Review status: criteria provided, single submitter. Criteria: Ambry Variant Classification Scheme 2023. Collection method: clinical testing. Allele origin: germline.
Comment: The p.C449R variant (also known as c.1345T>C), located in coding exon 7 of the RET gene, results from a T to C substitution at nucleotide position 1345. The cysteine at codon 449 is replaced by arginine, an amino acid with highly dissimilar properties. This amino acid position is highly conserved in available vertebrate species. In addition, the in silico prediction for this alteration is inconclusive. Since supporting evidence is limited at this time, the clinical significance of this alteration remains unclear.

Quest Diagnostics Nichols Institute San Juan Capistrano
Classification: Uncertain significance. Last evaluated: 2024-10-24. Review status: criteria provided, single submitter. Criteria: Quest Diagnostics criteria. Collection method: clinical testing. Allele origin: unknown.
Comment: The RET c.1345T>C (p.Cys449Arg) variant has not been reported in individuals with RET-related conditions in the published literature. The frequency of this variant in the general population, 0.000004 (1/251454 chromosomes (Genome Aggregation Database)), is uninformative in the assessment of its pathogenicity. Analysis of this variant using bioinformatics tools for the prediction of the effect of amino acid changes on protein structure and function yielded predictions that this variant is benign. Based on the available information, we are unable to determine the clinical significance of this variant.

Labcorp Genetics (formerly Invitae), Labcorp
Classification: Uncertain significance for Multiple endocrine neoplasia, type 2. Last evaluated: 2023-05-18. Review status: criteria provided, single submitter. Criteria: Invitae Variant Classification Sherloc (09022015). Collection method: clinical testing. Allele origin: germline.
Comment: In summary, the available evidence is currently insufficient to determine the role of this variant in disease. Therefore, it has been classified as a Variant of Uncertain Significance. An algorithm developed to predict the effect of missense changes on protein structure and function (PolyPhen-2) suggests that this variant is likely to be disruptive. ClinVar contains an entry for this variant (Variation ID: 836366). This variant has not been reported in the literature in individuals affected with RET-related conditions. This variant is present in population databases (no rsID available, gnomAD 0.003%). This sequence change replaces cysteine, which is neutral and slightly polar, with arginine, which is basic and polar, at codon 449 of the RET protein (p.Cys449Arg).

NM_020975.6(RET):c.1345T>C (p.Cys449Arg)

Gene: RET (ret proto-oncogene; plus strand). Cytogenetic location: 10q11.21.
Variant type: single nucleotide variant.
Coding change: c.1345T>C on transcript NM_020975.6 (MANE Select); coding-DNA position 1345, T replaced by C.
Protein change: p.Cys449Arg; replaces cysteine 449 with arginine.
Molecular consequence: missense variant.
Genome position (GRCh38, 1-based): chr10:43,111,288, T>C. VCF-style: chr10-43111288-T-C. GRCh37 (hg19) VCF-style: chr10-43606736-T-C.
Other names: c.1345T>C, p.Cys449Arg (NM_000323.2, NM_001406743.1, NM_001406744.1 and 6 more transcripts); c.583T>C, p.Cys195Arg (NM_001355216.2); c.1216T>C, p.Cys406Arg (NM_001406761.1, NM_001406762.1, NM_001406764.1 and 1 more transcripts); c.1057T>C, p.Cys353Arg (NM_001406766.1, NM_001406767.1, NM_001406770.1); c.949T>C, p.Cys317Arg (NM_001406769.1, NM_001406772.1); c.907T>C, p.Cys303Arg (NM_001406771.1, NM_001406773.1); c.820T>C, p.Cys274Arg (NM_001406774.1); c.619T>C, p.Cys207Arg (NM_001406775.1, NM_001406776.1, NM_001406777.1 and 1 more transcripts); and 1 more; short protein forms C195R, C449R, C207R, C303R, C406R, C317R, C353R, C119R.
Identifiers: ClinVar variation 836366 (VCV000836366.15), dbSNP rs1158236145, ClinGen allele CA376549112.
Genomic context (GRCh38, chr10:43,111,288, plus strand): 5'-AACTGCCAGGCATTCAGTGGCATCAACGTCCAGTACAAGCTGCATTCCTCTGGTGCCAAC[T>C]GCAGCACGCTAGGGGTGGTCACCTCAGCCGAGGACACCTCGGGGATCCTGTTTGTGAATG-3'
Protein context (NP_066124.1, residues 439-459): QYKLHSSGAN[Cys449Arg]STLGVVTSAE